The following is an entry in ClinVar:

NM_006859.4(LIAS):c.889C>T (p.Arg297Cys)

Gene: LIAS (lipoic acid synthetase; plus strand). Cytogenetic location: 4p14.
Variant type: single nucleotide variant.
Coding change: c.889C>T on transcript NM_006859.4 (MANE Select); coding-DNA position 889, C replaced by T.
Protein change: p.Arg297Cys; replaces arginine 297 with cysteine.
Molecular consequence: missense variant.
Genome position (GRCh38, 1-based): chr4:39,471,241, C>T. VCF-style: chr4-39471241-C-T. GRCh37 (hg19) VCF-style: chr4-39472861-C-T.
Other names: c.760C>T, p.Arg254Cys (NM_001278590.2); c.580C>T, p.Arg194Cys (NM_001363700.2); c.889C>T, p.Arg297Cys (NM_194451.3); short protein forms R194C, R254C, R297C.
Identifiers: ClinVar variation 1204145 (VCV001204145.5), dbSNP rs1744968434, ClinGen allele CA356665464.

ClinVar aggregate classification (germline): Uncertain significance. Review status: criteria provided, multiple submitters, no conflicts (2 of 4 stars). 2 submissions from 2 submitters: Uncertain significance (2). Last evaluated 2022-08-01.

Conditions:
Lipoic acid synthetase deficiency. Also called: HYPERGLYCINEMIA, LACTIC ACIDOSIS, AND SEIZURES. Identifiers: Orphanet 401859, MedGen C3280887, MONDO:0013762, OMIM 614462.

Allele frequency attached by ClinVar (database versions not stated): gnomAD 0.00001; TOPMed 0.00001.
gnomAD v4.1: 12 of 1,608,244 alleles (0.00075%); highest among the groups gnomAD compares: Admixed American, 0.0017%; no homozygotes.

Submissions (2):

Labcorp Genetics (formerly Invitae), Labcorp
Classification: Uncertain significance for Lipoic acid synthetase deficiency. Last evaluated: 2022-08-01. Review status: criteria provided, single submitter. Criteria: Invitae Variant Classification Sherloc (09022015). Collection method: clinical testing. Allele origin: germline.
Comment: This sequence change replaces arginine, which is basic and polar, with cysteine, which is neutral and slightly polar, at codon 297 of the LIAS protein (p.Arg297Cys). This variant is not present in population databases (gnomAD no frequency). This variant has not been reported in the literature in individuals affected with LIAS-related conditions. ClinVar contains an entry for this variant (Variation ID: 1204145). Algorithms developed to predict the effect of missense changes on protein structure and function (SIFT, PolyPhen-2, Align-GVGD) all suggest that this variant is likely to be disruptive. In summary, the available evidence is currently insufficient to determine the role of this variant in disease. Therefore, it has been classified as a Variant of Uncertain Significance.

GeneDx
Classification: Uncertain significance. Last evaluated: 2019-08-12. Review status: criteria provided, single submitter. Criteria: GeneDx Variant Classification Process June 2021. Collection method: clinical testing. Allele origin: germline. Affected: yes.
Comment: Not observed in large population cohorts (Lek et al., 2016); In silico analysis, which includes protein predictors and evolutionary conservation, supports a deleterious effect; Has not been previously published as pathogenic or benign to our knowledge